The following is an entry in ClinVar:

NM_001110556.2(FLNA):c.5084A>G (p.Glu1695Gly)

Gene: FLNA (filamin A; minus strand). Cytogenetic location: Xq28.
Variant type: single nucleotide variant.
Coding change: c.5084A>G on transcript NM_001110556.2 (MANE Select); coding-DNA position 5084, A replaced by G.
Protein change: p.Glu1695Gly; replaces glutamic acid 1695 with glycine.
Molecular consequence: missense variant.
Genome position (GRCh38, 1-based): chrX:154,354,958, T>C on the plus strand (A>G on the coding strand, the complement: FLNA is on the minus strand). VCF-style: chrX-154354958-T-C. GRCh37 (hg19) VCF-style: chrX-153583326-T-C.
Other names: c.5060A>G, p.Glu1687Gly (NM_001456.4); short protein forms E1687G, E1695G.
Identifiers: ClinVar variation 2635142 (VCV002635142.1), dbSNP rs1445311327, ClinGen allele CA415207977.

ClinVar aggregate classification (germline): Uncertain significance (1 of 4 stars; one submission).

Conditions:
FLNA-related disorder.

Allele frequency attached by ClinVar (database versions not stated): TOPMed 0.00001; gnomAD 0.00002.
gnomAD v4.1: 2 of 1,211,256 alleles (0.00017%); highest among the groups gnomAD compares: African/African-American, 0.0035%; no homozygotes.

Submission:

PreventionGenetics, part of Exact Sciences
Classification: Uncertain significance for FLNA-related condition. Last evaluated: 2022-10-31. Review status: criteria provided, single submitter. Criteria: ACMG Guidelines, 2015. Collection method: clinical testing. Allele origin: germline.
Comment: The FLNA c.5084A>G variant is predicted to result in the amino acid substitution p.Glu1695Gly. To our knowledge, this variant has not been reported in the literature or in a large population database, indicating this variant is rare. At this time, the clinical significance of this variant is uncertain due to the absence of conclusive functional and genetic evidence.